The following is an entry in ClinVar:

ClinVar aggregate classification (germline): Uncertain significance. Review status: criteria provided, multiple submitters, no conflicts (2 of 4 stars). 2 submissions from 2 submitters: Uncertain significance (2). Last evaluated 2024-01-17.

Conditions:
Jeune thoracic dystrophy. Also called: Short-rib thoracic dysplasia; Jeune syndrome; Infantile thoracic dystrophy; Thoracic pelvic phalangeal dystrophy; Jeune's syndrome; Chondroectodermal dysplasia-like syndrome. Identifiers: Orphanet 474, MedGen C0265275, MONDO:0018770.

Allele frequency attached by ClinVar (database versions not stated): gnomAD exomes 0.00002 and 0.00004; ExAC 0.00004; 1000 Genomes Project 0.00020; 1000 Genomes Project 30x 0.00031.
gnomAD v4.1: 25 of 1,613,834 alleles (0.0015%); highest among the groups gnomAD compares: Admixed American, 0.017%; no homozygotes.

Submissions (2):

Labcorp Genetics (formerly Invitae), Labcorp
Classification: Uncertain significance for Jeune thoracic dystrophy. Last evaluated: 2024-01-17. Review status: criteria provided, single submitter. Criteria: Invitae Variant Classification Sherloc (09022015). Collection method: clinical testing. Allele origin: germline.
Comment: This sequence change replaces arginine, which is basic and polar, with cysteine, which is neutral and slightly polar, at codon 4092 of the DYNC2H1 protein (p.Arg4092Cys). This variant is present in population databases (rs201076231, gnomAD 0.02%). This variant has not been reported in the literature in individuals affected with DYNC2H1-related conditions. ClinVar contains an entry for this variant (Variation ID: 1409230). Advanced modeling of protein sequence and biophysical properties (such as structural, functional, and spatial information, amino acid conservation, physicochemical variation, residue mobility, and thermodynamic stability) performed at Invitae indicates that this missense variant is expected to disrupt DYNC2H1 protein function with a positive predictive value of 95%. In summary, the available evidence is currently insufficient to determine the role of this variant in disease. Therefore, it has been classified as a Variant of Uncertain Significance.

Blueprint Genetics
Classification: Uncertain significance. Last evaluated: 2022-06-22. Review status: criteria provided, single submitter. Criteria: ACMG Guidelines, 2015. Collection method: clinical testing. Allele origin: germline.

NM_001377.3(DYNC2H1):c.12253C>T (p.Arg4085Cys)

Gene: DYNC2H1 (dynein cytoplasmic 2 heavy chain 1; plus strand). Cytogenetic location: 11q22.3.
Variant type: single nucleotide variant.
Coding change: c.12253C>T on transcript NM_001377.3 (MANE Select); coding-DNA position 12253, C replaced by T.
Protein change: p.Arg4085Cys; replaces arginine 4085 with cysteine.
Molecular consequence: missense variant.
Genome position (GRCh38, 1-based): chr11:103,399,759, C>T. VCF-style: chr11-103399759-C-T. GRCh37 (hg19) VCF-style: chr11-103270487-C-T.
Other names: c.12274C>T, p.Arg4092Cys (NM_001080463.2); short protein forms R4085C, R4092C.
Identifiers: ClinVar variation 1409230 (VCV001409230.8), dbSNP rs201076231, ClinGen allele CA6255497.